The following is an entry in ClinVar:

ClinVar aggregate classification (germline): Uncertain significance. Review status: criteria provided, multiple submitters, no conflicts (2 of 4 stars). 2 submissions from 2 submitters: Uncertain significance (2). Last evaluated 2024-12-21.

Conditions:
Cardiovascular phenotype. Identifiers: MedGen CN230736.
Dilated Cardiomyopathy, Dominant.
Distal myopathy with posterior leg and anterior hand involvement. Also called: WILLIAMS DISTAL MYOPATHY. Identifiers: Orphanet 63273, MedGen C3279722, MONDO:0013550, OMIM 614065.
Hypertrophic cardiomyopathy 26. Also called: Cardiomyopathy, familial hypertrophic, 26. Identifiers: Orphanet 75249, MedGen C4310749, MONDO:0014883, OMIM 617047.
Myofibrillar myopathy 5. Also called: Filaminopathy (type); FILAMINOPATHY, AUTOSOMAL DOMINANT. Identifiers: Orphanet 171445, MedGen C1836050, MONDO:0012289, OMIM 609524.

Allele frequency attached by ClinVar (database versions not stated): gnomAD exomes below 0.00001 and 0.00001; ExAC 0.00001; gnomAD 0.00001; 1000 Genomes Project 30x 0.00016; 1000 Genomes Project 0.00020.
gnomAD v4.1: 2 of 1,613,644 alleles (0.00012%); highest among the groups gnomAD compares: East Asian, 0.0045%; no homozygotes.

Submissions (2):

Ambry Genetics
Classification: Uncertain significance for Cardiovascular phenotype. Last evaluated: 2024-12-21. Review status: criteria provided, single submitter. Criteria: Ambry Variant Classification Scheme 2023. Collection method: clinical testing. Allele origin: germline.
Comment: The p.I2705T variant (also known as c.8114T>C), located in coding exon 48 of the FLNC gene, results from a T to C substitution at nucleotide position 8114. The isoleucine at codon 2705 is replaced by threonine, an amino acid with similar properties. This amino acid position is conserved. In addition, this alteration is predicted to be tolerated by in silico analysis. Based on the available evidence, the clinical significance of this variant remains unclear.

Labcorp Genetics (formerly Invitae), Labcorp
Classification: Uncertain significance for Distal myopathy with posterior leg and anterior hand involvement; Myofibrillar myopathy 5; Hypertrophic cardiomyopathy 26. Last evaluated: 2021-09-01. Review status: criteria provided, single submitter. Criteria: Invitae Variant Classification Sherloc (09022015). Collection method: clinical testing. Allele origin: germline.
Comment: This sequence change replaces isoleucine with threonine at codon 2705 of the FLNC protein (p.Ile2705Thr). The isoleucine residue is moderately conserved and there is a moderate physicochemical difference between isoleucine and threonine. This variant is present in population databases (rs553714847, ExAC 0.01%). This variant has not been reported in the literature in individuals affected with FLNC-related conditions. Algorithms developed to predict the effect of missense changes on protein structure and function (SIFT, PolyPhen-2, Align-GVGD) all suggest that this variant is likely to be tolerated. In summary, the available evidence is currently insufficient to determine the role of this variant in disease. Therefore, it has been classified as a Variant of Uncertain Significance.

NM_001458.5(FLNC):c.8114T>C (p.Ile2705Thr)

Genes: FLNC-AS1 (FLNC antisense RNA 1; minus strand), FLNC (filamin C; plus strand). Cytogenetic location: 7q32.1.
Variant type: single nucleotide variant.
Coding change: c.8114T>C on transcript NM_001458.5 (MANE Select); coding-DNA position 8114, T replaced by C.
Protein change: p.Ile2705Thr; replaces isoleucine 2705 with threonine.
Molecular consequence: missense variant.
Genome position (GRCh38, 1-based): chr7:128,858,459, T>C. VCF-style: chr7-128858459-T-C. GRCh37 (hg19) VCF-style: chr7-128498513-T-C.
Other names: c.8015T>C, p.Ile2672Thr (NM_001127487.2); short protein forms I2672T, I2705T.
Identifiers: ClinVar variation 855720 (VCV000855720.9), dbSNP rs553714847, ClinGen allele CA4476428.